The following is an entry in ClinVar:

ClinVar aggregate classification (germline): Conflicting classifications of pathogenicity. Review status: criteria provided, conflicting classifications (1 of 4 stars). 2 submissions from 2 submitters: Uncertain significance (1); Benign (1). Last evaluated 2024-12-12.

Conditions:
Gastrointestinal stromal tumor. Also called: Gastrointestinal stromal tumor, somatic; Gastrointestinal stroma tumor. Identifiers: Orphanet 44890, MedGen C0238198, MeSH D046152, MONDO:0011719, OMIM 606764, HP:0100723.
Ovarian cancer. Also called: OVARIAN CANCER, SOMATIC. Identifiers: Orphanet 213500, MedGen C1140680, MONDO:0008170, OMIM 167000.

Allele frequency attached by ClinVar (database versions not stated): gnomAD exomes below 0.00001; TOPMed below 0.00001; gnomAD 0.00001.
gnomAD v4.1: 4 of 1,607,178 alleles (0.00025%); highest among the groups gnomAD compares: South Asian, 0.0033%; no homozygotes.

Submissions (2):

Labcorp Genetics (formerly Invitae), Labcorp
Classification: Uncertain significance for Gastrointestinal stromal tumor. Last evaluated: 2024-12-12. Review status: criteria provided, single submitter. Criteria: Invitae Variant Classification Sherloc (09022015). Collection method: clinical testing. Allele origin: germline.
Comment: This sequence change replaces alanine, which is neutral and non-polar, with threonine, which is neutral and polar, at codon 404 of the KIT protein (p.Ala404Thr). This variant is not present in population databases (gnomAD no frequency). This variant has not been reported in the literature in individuals affected with KIT-related conditions. ClinVar contains an entry for this variant (Variation ID: 575036). An algorithm developed to predict the effect of missense changes on protein structure and function outputs the following: PolyPhen-2: "Benign". The threonine amino acid residue is found in multiple mammalian species, which suggests that this missense change does not adversely affect protein function. In summary, the available evidence is currently insufficient to determine the role of this variant in disease. Therefore, it has been classified as a Variant of Uncertain Significance.

Laboratory of Molecular Epidemiology of Birth Defects, West China Second University Hospital, Sichuan University
Classification: Benign for Ovarian cancer. Last evaluated: 2022-01-01. Review status: criteria provided, single submitter. Criteria: ACMG Guidelines, 2015. Collection method: clinical testing. Allele origin: germline. Affected: yes.

NM_000222.3(KIT):c.1210G>A (p.Ala404Thr)

Gene: KIT (KIT proto-oncogene, receptor tyrosine kinase; plus strand). Cytogenetic location: 4q12.
Variant type: single nucleotide variant.
Coding change: c.1210G>A on transcript NM_000222.3 (MANE Select); coding-DNA position 1210, G replaced by A.
Protein change: p.Ala404Thr; replaces alanine 404 with threonine.
Molecular consequence: missense variant.
Genome position (GRCh38, 1-based): chr4:54,709,518, G>A. VCF-style: chr4-54709518-G-A. GRCh37 (hg19) VCF-style: chr4-55575684-G-A.
Other names: c.1210G>A, p.Ala404Thr (NM_001093772.2, NM_001385285.1, NM_001385286.1); c.1213G>A, p.Ala405Thr (NM_001385284.1, NM_001385288.1, NM_001385290.1 and 1 more transcripts); short protein forms A404T, A405T.
Identifiers: ClinVar variation 575036 (VCV000575036.11), dbSNP rs1272269119, ClinGen allele CA356902609.